The following is an entry in ClinVar:

ClinVar aggregate classification (germline): Uncertain significance. Review status: criteria provided, multiple submitters, no conflicts (2 of 4 stars). 2 submissions from 2 submitters: Uncertain significance (2). Last evaluated 2025-07-21.

Conditions:
Early-infantile DEE. Also called: Ohtahara syndrome; Early infantile epileptic encephalopathy; Early infantile epileptic encephalopathy with suppression bursts. Identifiers: Orphanet 1934, MedGen C0393706, MONDO:0800491.
SCN1A-related disorder. Also called: SCN1A-related disorders; SCN1A-related conditions; SCN1A-related condition.

Allele frequency attached by ClinVar (database versions not stated): gnomAD exomes below 0.00001; ExAC 0.00001.

Submissions (2):

PreventionGenetics, part of Exact Sciences
Classification: Uncertain significance for SCN1A-related condition. Last evaluated: 2025-07-21. Review status: criteria provided, single submitter. Criteria: ACMG Guidelines, 2015. Collection method: clinical testing. Allele origin: germline.
Comment: The SCN1A c.1765G>A variant is predicted to result in the amino acid substitution p.Asp589Asn. To our knowledge, this variant has not been reported in the literature. This variant is reported in 0.00088% of alleles in individuals of European (Non-Finnish) descent in gnomAD. At this time, the clinical significance of this variant is uncertain due to the absence of conclusive functional and genetic evidence.

Labcorp Genetics (formerly Invitae), Labcorp
Classification: Uncertain significance for Early-infantile DEE. Last evaluated: 2022-07-28. Review status: criteria provided, single submitter. Criteria: Invitae Variant Classification Sherloc (09022015). Collection method: clinical testing. Allele origin: germline.
Comment: In summary, the available evidence is currently insufficient to determine the role of this variant in disease. Therefore, it has been classified as a Variant of Uncertain Significance. Algorithms developed to predict the effect of missense changes on protein structure and function are either unavailable or do not agree on the potential impact of this missense change (SIFT: "Tolerated"; PolyPhen-2: "Probably Damaging"; Align-GVGD: "Class C0"). This variant has not been reported in the literature in individuals affected with SCN1A-related conditions. This variant is present in population databases (rs781481818, gnomAD 0.0009%). This sequence change replaces aspartic acid, which is acidic and polar, with asparagine, which is neutral and polar, at codon 589 of the SCN1A protein (p.Asp589Asn).

NM_001165963.4(SCN1A):c.1765G>A (p.Asp589Asn)

Gene: SCN1A (sodium voltage-gated channel alpha subunit 1; minus strand). Cytogenetic location: 2q24.3.
Variant type: single nucleotide variant.
Coding change: c.1765G>A on transcript NM_001165963.4 (MANE Select); coding-DNA position 1765, G replaced by A.
Protein change: p.Asp589Asn; replaces aspartic acid 589 with asparagine.
Molecular consequence: missense variant. On other transcripts: 5 prime UTR variant (1), non-coding transcript variant (1).
Genome position (GRCh38, 1-based): chr2:166,043,947, C>T on the plus strand (G>A on the coding strand, the complement: SCN1A is on the minus strand). VCF-style: chr2-166043947-C-T. GRCh37 (hg19) VCF-style: chr2-166900457-C-T.
Other names: c.1765G>A (NM_001202435.1); c.1765G>A, p.Asp589Asn (NM_001165964.3, NM_001202435.3, NM_001353948.2 and 7 more transcripts); c.1762G>A, p.Asp588Asn (NM_001353954.2, NM_001353955.2, NM_001353960.2); c.-661G>A (NM_001353961.2); short protein forms D589N, D588N.
Identifiers: ClinVar variation 1906380 (VCV001906380.6), dbSNP rs781481818, ClinGen allele CA317257.